The following is an entry in ClinVar:

ClinVar aggregate classification (germline): Uncertain significance (1 of 4 stars; one submission).

Conditions:
Aortic valve disease 2 (AOVD2). Identifiers: MedGen C3542024, MONDO:0013902, OMIM 614823.

Submission:

Labcorp Genetics (formerly Invitae), Labcorp
Classification: Uncertain significance for Aortic valve disease 2. Last evaluated: 2021-01-03. Review status: criteria provided, single submitter. Criteria: Invitae Variant Classification Sherloc (09022015). Collection method: clinical testing. Allele origin: germline.
Comment: This sequence change replaces alanine with valine at codon 46 of the SMAD6 protein (p.Ala46Val). The alanine residue is moderately conserved and there is a small physicochemical difference between alanine and valine. The frequency data for this variant in the population databases is considered unreliable, as metrics indicate insufficient coverage at this position in the ExAC database. This variant has not been reported in the literature in individuals with SMAD6-related conditions. Algorithms developed to predict the effect of missense changes on protein structure and function (SIFT, PolyPhen-2, Align-GVGD) all suggest that this variant is likely to be tolerated, but these predictions have not been confirmed by published functional studies and their clinical significance is uncertain. In summary, the available evidence is currently insufficient to determine the role of this variant in disease. Therefore, it has been classified as a Variant of Uncertain Significance.

NM_005585.5(SMAD6):c.137C>T (p.Ala46Val)

Gene: SMAD6 (SMAD family member 6; plus strand). Cytogenetic location: 15q22.31.
Variant type: single nucleotide variant.
Coding change: c.137C>T on transcript NM_005585.5 (MANE Select); coding-DNA position 137, C replaced by T.
Protein change: p.Ala46Val; replaces alanine 46 with valine.
Molecular consequence: missense variant. On other transcripts: non-coding transcript variant (1).
Genome position (GRCh38, 1-based): chr15:66,703,395, C>T. VCF-style: chr15-66703395-C-T. GRCh37 (hg19) VCF-style: chr15-66995733-C-T.
Other names: short protein forms A46V.
Identifiers: ClinVar variation 1423400 (VCV001423400.8), dbSNP rs2140580758, ClinGen allele CA392948684.